The following is an entry in ClinVar:

NM_017777.4(MKS1):c.1408-5C>T

Gene: MKS1 (MKS transition zone complex subunit 1; minus strand). Cytogenetic location: 17q22.
Variant type: single nucleotide variant.
Coding change: c.1408-5C>T on transcript NM_017777.4 (MANE Select); 5 bases into the intron before coding-DNA position 1408, C replaced by T.
Molecular consequence: intron variant.
Genome position (GRCh38, 1-based): chr17:58,206,552, G>A on the plus strand (C>T on the coding strand, the complement: MKS1 is on the minus strand). VCF-style: chr17-58206552-G-A. GRCh37 (hg19) VCF-style: chr17-56283913-G-A.
Other names: c.1408-5C>T (NM_017777.3); c.799-5C>T (NM_001321268.2); c.1274-172C>T (NM_001330397.2); c.1408-172C>T (NM_001321269.2).
Identifiers: ClinVar variation 1036798 (VCV001036798.7), dbSNP rs1237002420, ClinGen allele CA773493310.

ClinVar aggregate classification (germline): Likely benign. Review status: criteria provided, single submitter (1 of 4 stars). 3 submissions from 3 submitters: Likely benign (1). 2 of the submissions do not count toward it. Last evaluated 2025-07-29.

Conditions:
Joubert syndrome. Also called: JOUBERT-BOLTSHAUSER SYNDROME; Familial aplasia of the vermis. Identifiers: Orphanet 475, MedGen C5979921, MONDO:0018772.
Meckel-Gruber syndrome. Also called: DYSENCEPHALIA SPLANCHNOCYSTICA; GRUBER SYNDROME; Dysencephalia splachnocystica. Identifiers: Orphanet 564, MedGen C0265215, MONDO:0018921.
MKS1-related disorder. Also called: MKS1-related disorders; MKS1-related condition. Identifiers: MedGen CN239382.
Meckel syndrome, type 1 (MKS1). Also called: MECKEL-GRUBER SYNDROME, TYPE 1. Identifiers: Orphanet 564, MedGen C3714506, MONDO:0009571, OMIM 249000.

Allele frequency attached by ClinVar (database versions not stated): gnomAD exomes below 0.00001; gnomAD 0.00001; TOPMed 0.00002.
gnomAD v4.1: 3 of 1,611,544 alleles (0.00019%); highest among the groups gnomAD compares: African/African-American, 0.004%; no homozygotes.

Submissions (3):

Labcorp Genetics (formerly Invitae), Labcorp
Classification: Likely benign for Joubert syndrome; Meckel-Gruber syndrome. Last evaluated: 2025-07-29. Review status: criteria provided, single submitter. Criteria: Invitae Variant Classification Sherloc (09022015). Collection method: clinical testing. Allele origin: germline.

PreventionGenetics, part of Exact Sciences
Classification: Likely benign for MKS1-related condition. Last evaluated: 2024-05-06. Review status: no assertion criteria provided. Collection method: clinical testing. Allele origin: germline. Not counted in ClinVar's aggregate classification.
Comment: This variant is classified as likely benign based on ACMG/AMP sequence variant interpretation guidelines (Richards et al. 2015 PMID: 25741868, with internal and published modifications).

Natera, Inc.
Classification: Uncertain significance for Meckel syndrome type 1. Last evaluated: 2021-07-13. Review status: no assertion criteria provided. Collection method: clinical testing. Allele origin: germline. Not counted in ClinVar's aggregate classification.